The following is an entry in ClinVar:

NM_032830.3(UTP4):c.535G>T (p.Val179Phe)

Gene: UTP4 (UTP4 small subunit processome component). Cytogenetic location: 16q22.1.
Variant type: single nucleotide variant.
Coding change: c.535G>T on transcript NM_032830.3 (MANE Select); coding-DNA position 535, G replaced by T.
Protein change: p.Val179Phe; replaces valine 179 with phenylalanine.
Molecular consequence: missense variant.
Genome position (GRCh38, 1-based): chr16:69,143,186, G>T. VCF-style: chr16-69143186-G-T. GRCh37 (hg19) VCF-style: chr16-69177089-G-T.
Other names: c.535G>T (NM_032830.2); c.286G>T, p.Val96Phe (NM_001318391.2); short protein forms V96F, V179F.
Identifiers: ClinVar variation 2712345 (VCV002712345.5), dbSNP rs142116140, ClinGen allele CA8132087.

ClinVar aggregate classification (germline): Likely benign. Review status: criteria provided, single submitter (1 of 4 stars). 2 submissions from 2 submitters: Likely benign (1). 1 of the submissions does not count toward it. Last evaluated 2025-11-06.

Conditions:
UTP4-related disorder. Also called: UTP4-related condition.

Allele frequency attached by ClinVar (database versions not stated): gnomAD exomes 0.00007; ExAC 0.00040; 1000 Genomes Project 0.00060; 1000 Genomes Project 30x 0.00062; ESP Exome Variant Server 0.00077; gnomAD 0.00089; TOPMed 0.00113.
gnomAD v4.1: 245 of 1,614,200 alleles (0.015%); highest among the groups gnomAD compares: African/African-American, 0.27%; no homozygotes.

Submissions (2):

Labcorp Genetics (formerly Invitae), Labcorp
Classification: Likely benign. Last evaluated: 2025-11-06. Review status: criteria provided, single submitter. Criteria: Invitae Variant Classification Sherloc (09022015). Collection method: clinical testing. Allele origin: germline.

PreventionGenetics, part of Exact Sciences
Classification: Likely benign for UTP4-related condition. Last evaluated: 2022-08-08. Review status: no assertion criteria provided. Collection method: clinical testing. Allele origin: germline. Not counted in ClinVar's aggregate classification.
Comment: This variant is classified as likely benign based on ACMG/AMP sequence variant interpretation guidelines (Richards et al. 2015 PMID: 25741868, with internal and published modifications).